The following is an entry in ClinVar:

NM_004281.4(BAG3):c.1429_1430insTG (p.Arg477fs)

Gene: BAG3 (BAG cochaperone 3; plus strand). Cytogenetic location: 10q26.11.
Variant type: Insertion.
Coding change: c.1429_1430insTG on transcript NM_004281.4 (MANE Select); coding-DNA positions 1429 to 1430, TG inserted.
Protein change: p.Arg477fs; shifts the reading frame from arginine 477.
Molecular consequence: frameshift variant.
Genome position: GRCh38 VCF-style: chr10-119676983-C-CTG. GRCh37 (hg19) VCF-style: chr10-121436495-C-CTG.
Other names: short protein forms R477fs.
Identifiers: ClinVar variation 4784505 (VCV004784505.1).

ClinVar aggregate classification (germline): Uncertain significance (1 of 4 stars; one submission).

Conditions:
Dilated cardiomyopathy 1HH (CMD1HH). Identifiers: Orphanet 154, MedGen C3151293, MONDO:0013479, OMIM 613881.
Myofibrillar myopathy 6. Identifiers: Orphanet 199340, MedGen C2751831, MONDO:0013061, OMIM 612954.

Submission:

Labcorp Genetics (formerly Invitae), Labcorp
Classification: Uncertain significance for Dilated cardiomyopathy 1HH; Myofibrillar myopathy 6. Last evaluated: 2025-03-23. Review status: criteria provided, single submitter. Criteria: Invitae Variant Classification Sherloc (09022015). Collection method: clinical testing. Allele origin: germline.
Comment: This sequence change creates a premature translational stop signal (p.Arg477Leufs*90) in the BAG3 gene. While this is not anticipated to result in nonsense mediated decay, it is expected to disrupt the last 99 amino acid(s) of the BAG3 protein. This variant is not present in population databases (gnomAD no frequency). This variant has not been reported in the literature in individuals affected with BAG3-related conditions. Experimental studies and prediction algorithms are not available or were not evaluated, and the functional significance of this variant is currently unknown. This variant disrupts a region of the BAG3 protein in which other variant(s) (p.Ala542Val) have been observed in individuals with BAG3-related conditions (internal data). This suggests that this is a clinically significant region of the protein, and that variants that disrupt it are likely to be disease-causing. In summary, the available evidence is currently insufficient to determine the role of this variant in disease. Therefore, it has been classified as a Variant of Uncertain Significance.